The following is an entry in ClinVar:

ClinVar aggregate classification (germline): Uncertain significance (1 of 4 stars; one submission).

Conditions:
Epidermolysis bullosa simplex 5B, with muscular dystrophy (EBS5B). Also called: EPIDERMOLYSIS BULLOSA SIMPLEX AND LIMB-GIRDLE MUSCULAR DYSTROPHY; Epidermolysis bullosa simplex with muscular dystrophy. Identifiers: Orphanet 257, MedGen C2931072, MONDO:0009181, OMIM 226670.
Epidermolysis bullosa simplex, Ogna type (EBS5A). Also called: Pidermolysis bullosa simplex 5A, Ogna type; EPIDERMOLYSIS BULLOSA SIMPLEX 5A, OGNA TYPE. Identifiers: Orphanet 79401, MedGen C0432317, MONDO:0007555, OMIM 131950.
Epidermolysis bullosa simplex 5C, with pyloric atresia (EBS5C). Also called: Epidermolysis bullosa simplex with pyloric atresia; PLEC-Related Epidermolysis Bullosa with Pyloric Atresia; PLEC1-Related Epidermolysis Bullosa with Pyloric Atresia. Identifiers: Orphanet 158684, MedGen C2677349, MONDO:0012807, OMIM 612138.
Autosomal recessive limb-girdle muscular dystrophy type 2Q (LGMDR17). Also called: MUSCULAR DYSTROPHY, LIMB-GIRDLE, AUTOSOMAL RECESSIVE 17. Identifiers: Orphanet 254361, MedGen C3150989, MONDO:0013390, OMIM 613723.
Epidermolysis bullosa simplex with nail dystrophy (EBS5D). Identifiers: MedGen C4225309, MONDO:0014661, OMIM 616487.

gnomAD v4.1: 16 of 1,595,092 alleles (0.001%); highest among the groups gnomAD compares: African/African-American, 0.0027%; no homozygotes.

Submission:

Labcorp Genetics (formerly Invitae), Labcorp
Classification: Uncertain significance for Autosomal recessive limb-girdle muscular dystrophy type 2Q; Epidermolysis bullosa simplex, Ogna type; Epidermolysis bullosa simplex with nail dystrophy; Epidermolysis bullosa simplex 5C, with pyloric atresia; Epidermolysis bullosa simplex 5B, with muscular dystrophy. Last evaluated: 2025-07-02. Review status: criteria provided, single submitter. Criteria: Invitae Variant Classification Sherloc (09022015). Collection method: clinical testing. Allele origin: germline.
Comment: This sequence change replaces arginine, which is basic and polar, with tryptophan, which is neutral and slightly polar, at codon 1904 of the PLEC protein (p.Arg1904Trp). This variant is present in population databases (rs781887510, gnomAD 0.005%). This variant has not been reported in the literature in individuals affected with PLEC-related conditions. Experimental studies and prediction algorithms are not available or were not evaluated, and the functional significance of this variant is currently unknown. In summary, the available evidence is currently insufficient to determine the role of this variant in disease. Therefore, it has been classified as a Variant of Uncertain Significance.

NM_201384.3(PLEC):c.5629C>T (p.Arg1877Trp)

Gene: PLEC (plectin; minus strand). Cytogenetic location: 8q24.3.
Variant type: single nucleotide variant.
Coding change: c.5629C>T on transcript NM_201384.3 (MANE Select); coding-DNA position 5629, C replaced by T.
Protein change: p.Arg1877Trp; replaces arginine 1877 with tryptophan.
Molecular consequence: missense variant. On other transcripts: intron variant (1).
Genome position (GRCh38, 1-based): chr8:143,924,300, G>A on the plus strand (C>T on the coding strand, the complement: PLEC is on the minus strand). VCF-style: chr8-143924300-G-A. GRCh37 (hg19) VCF-style: chr8-144998468-G-A.
Other names: c.4126-1905C>T (NM_001410941.1); c.5710C>T, p.Arg1904Trp (NM_000445.5); c.5587C>T, p.Arg1863Trp (NM_201378.4); c.5563C>T, p.Arg1855Trp (NM_201379.3); c.6040C>T, p.Arg2014Trp (NM_201380.4); c.5533C>T, p.Arg1845Trp (NM_201381.3); c.5629C>T, p.Arg1877Trp (NM_201382.4); c.5641C>T, p.Arg1881Trp (NM_201383.3); short protein forms R1904W, R2014W, R1877W, R1881W, R1845W, R1863W, R1855W.
Identifiers: ClinVar variation 4793446 (VCV004793446.1).